The following is an entry in ClinVar:

NM_198586.3(NHLRC1):c.893G>T (p.Ser298Ile)

Gene: NHLRC1 (NHL repeat containing E3 ubiquitin protein ligase 1; minus strand). Cytogenetic location: 6p22.3.
Variant type: single nucleotide variant.
Coding change: c.893G>T on transcript NM_198586.3 (MANE Select); coding-DNA position 893, G replaced by T.
Protein change: p.Ser298Ile; replaces serine 298 with isoleucine.
Molecular consequence: missense variant.
Genome position (GRCh38, 1-based): chr6:18,121,714, C>A on the plus strand (G>T on the coding strand, the complement: NHLRC1 is on the minus strand). VCF-style: chr6-18121714-C-A. GRCh37 (hg19) VCF-style: chr6-18121945-C-A.
Other names: short protein forms S298I.
Identifiers: ClinVar variation 941732 (VCV000941732.10), dbSNP rs1783736655, ClinGen allele CA362825873.

ClinVar aggregate classification (germline): Uncertain significance (1 of 4 stars; one submission).

Conditions:
Lafora disease. Also called: Epilepsy progressive myoclonic 2; Progressive Myoclonus Epilepsy, Lafora Type. Identifiers: Orphanet 501, MedGen C0751783, MONDO:0009697.

Submission:

Labcorp Genetics (formerly Invitae), Labcorp
Classification: Uncertain significance for Lafora disease. Last evaluated: 2019-09-15. Review status: criteria provided, single submitter. Criteria: Invitae Variant Classification Sherloc (09022015). Collection method: clinical testing. Allele origin: germline.
Comment: This sequence change replaces serine with isoleucine at codon 298 of the NHLRC1 protein (p.Ser298Ile). The serine residue is highly conserved and there is a large physicochemical difference between serine and isoleucine. In summary, the available evidence is currently insufficient to determine the role of this variant in disease. Therefore, it has been classified as a Variant of Uncertain Significance. Algorithms developed to predict the effect of missense changes on protein structure and function (SIFT, PolyPhen-2, Align-GVGD) all suggest that this variant is likely to be disruptive, but these predictions have not been confirmed by published functional studies and their clinical significance is uncertain. This variant has not been reported in the literature in individuals with NHLRC1-related conditions. This variant is not present in population databases (ExAC no frequency).